The following is an entry in ClinVar:

ClinVar aggregate classification (germline): Pathogenic. Review status: criteria provided, multiple submitters, no conflicts (2 of 4 stars). 2 submissions from 2 submitters: Pathogenic (2). Last evaluated 2021-07-10.

Conditions:
Duchenne muscular dystrophy (DMD). Also called: MUSCULAR DYSTROPHY, PSEUDOHYPERTROPHIC PROGRESSIVE, DUCHENNE TYPE; Duchenne Muscular Dystrophy (DMD). Identifiers: Orphanet 98896, MedGen C0013264, MONDO:0010679, OMIM 310200.
Abnormality of the musculature. Identifiers: MedGen C4021745, HP:0003011.

Submissions (2):

Kariminejad - Najmabadi Pathology & Genetics Center
Classification: Pathogenic for Abnormality of the musculature. Last evaluated: 2021-07-10. Review status: criteria provided, single submitter. Criteria: ACMG Guidelines, 2015. Collection method: clinical testing. Allele origin: germline. Affected: yes.

Labcorp Genetics (formerly Invitae), Labcorp
Classification: Pathogenic for Duchenne muscular dystrophy. Last evaluated: 2017-08-08. Review status: criteria provided, single submitter. Criteria: Invitae Variant Classification Sherloc (09022015). Collection method: clinical testing. Allele origin: germline.
Comment: For these reasons, this variant has been classified as Pathogenic. Donor and acceptor splice site variants typically lead to a loss of protein function (PMID: 16199547), and loss-of-function variants in DMD are known to be pathogenic (PMID: 16770791, 25007885). A different variant affecting this nucleotide (c.2804-1G>A) has been determined to be pathogenic (PMID: 27593222). This suggests that this nucleotide is important for normal RNA splicing, and that other variants at this position may also be pathogenic. Algorithms developed to predict the effect of sequence changes on RNA splicing suggest that this variant may disrupt the consensus splice site, but this prediction has not been confirmed by published transcriptional studies. This variant has not been reported in the literature in individuals with DMD-related disease. This variant is not present in population databases (ExAC no frequency). This sequence change affects an acceptor splice site in intron 21 of the DMD gene. It is expected to disrupt RNA splicing and likely results in an absent or disrupted protein product.

Literature cited by the submitters: PubMed 16199547 (cited by Labcorp Genetics (formerly Invitae), Labcorp); PubMed 16770791 (cited by Labcorp Genetics (formerly Invitae), Labcorp); PubMed 25007885 (cited by Labcorp Genetics (formerly Invitae), Labcorp); PubMed 27593222 (cited by Labcorp Genetics (formerly Invitae), Labcorp).

NM_004006.3(DMD):c.2804-1del

Gene: DMD (dystrophin; minus strand). Cytogenetic location: Xp21.1.
Variant type: Deletion.
Coding change: c.2804-1del on transcript NM_004006.3 (MANE Select); the canonical splice acceptor site of the intron before coding-DNA position 2804, one base deleted (G; older notation c.2804-1delG).
Molecular consequence: splice acceptor variant.
Genome position (GRCh38, 1-based): chrX:32,472,310, C deleted on the plus strand (G on the coding strand, the reverse complement: DMD is on the minus strand). VCF-style (leftmost placement, unchanged base first): chrX-32472309-AC-A. GRCh37 (hg19) VCF-style: chrX-32490426-AC-A.
Other names: c.2804-1delG (NM_004006.3, NM_004006.2); c.2780-1del (NM_000109.4); c.2792-1del (NM_004009.3); c.2435-1del (NM_004010.3).
Identifiers: ClinVar variation 496616 (VCV000496616.34), dbSNP rs1557374667, ClinGen allele CA658684291.